The following is an entry in ClinVar:

ClinVar aggregate classification (germline): Likely benign. Review status: criteria provided, multiple submitters, no conflicts (2 of 4 stars). 4 submissions from 4 submitters: Likely benign (4). Last evaluated 2026-07-01.

Conditions:
BPTF-related disorder. Also called: BPTF-related condition.
Inborn genetic diseases. Identifiers: MedGen C0950123, MeSH D030342.

Allele frequency attached by ClinVar (database versions not stated): 1000 Genomes Project 30x 0.00031; 1000 Genomes Project 0.00040; gnomAD 0.00051; ESP Exome Variant Server 0.00054; TOPMed 0.00058.
gnomAD v4.1: 1,049 of 1,598,640 alleles (0.066%); highest among the groups gnomAD compares: Non-Finnish European, 0.081%; 2 homozygotes.

Submissions (4):

CeGaT Center for Human Genetics Tuebingen
Classification: Likely benign. Last evaluated: 2026-07-01. Review status: criteria provided, single submitter. Criteria: CeGaT Center For Human Genetics Tuebingen Variant Classification Criteria Version 2. Collection method: clinical testing. Allele origin: germline. Affected: yes. Observed: 3 variant alleles.
Comment: BPTF: BP4

Labcorp Genetics (formerly Invitae), Labcorp
Classification: Likely benign. Last evaluated: 2025-06-29. Review status: criteria provided, single submitter. Criteria: Invitae Variant Classification Sherloc (09022015). Collection method: clinical testing. Allele origin: germline.

PreventionGenetics, part of Exact Sciences
Classification: Likely benign for BPTF-related condition. Last evaluated: 2025-04-28. Review status: criteria provided, single submitter. Criteria: ACMG Guidelines, 2015. Collection method: clinical testing. Allele origin: germline.
Comment: This variant is classified as likely benign based on ACMG/AMP sequence variant interpretation guidelines (Richards et al. 2015 PMID: 25741868, with internal and published modifications).

Ambry Genetics
Classification: Likely benign for Inborn genetic diseases. Last evaluated: 2022-04-07. Review status: criteria provided, single submitter. Criteria: Ambry Variant Classification Scheme 2023. Collection method: clinical testing. Allele origin: germline.

NM_182641.4(BPTF):c.8014C>G (p.Pro2672Ala)

Gene: BPTF (bromodomain PHD finger transcription factor; plus strand). Cytogenetic location: 17q24.2.
Variant type: single nucleotide variant.
Coding change: c.8014C>G on transcript NM_182641.4 (MANE Select); coding-DNA position 8014, C replaced by G.
Protein change: p.Pro2672Ala; replaces proline 2672 with alanine.
Molecular consequence: missense variant.
Genome position (GRCh38, 1-based): chr17:67,959,628, C>G. VCF-style: chr17-67959628-C-G. GRCh37 (hg19) VCF-style: chr17-65955744-C-G.
Other names: c.7963C>G, p.Pro2655Ala (NM_004459.7); short protein forms P2655A, P2672A.
Identifiers: ClinVar variation 2040686 (VCV002040686.14), dbSNP rs142300680, ClinGen allele CA8726482.